The following is an entry in ClinVar:

NM_019601.4(SUSD2):c.1047C>T (p.His349=)

Gene: SUSD2 (sushi domain containing 2; plus strand). Cytogenetic location: 22q11.23.
Variant type: single nucleotide variant.
Coding change: c.1047C>T on transcript NM_019601.4 (MANE Select); coding-DNA position 1047, C replaced by T.
Protein change: p.His349=; no amino-acid change (histidine 349 retained).
Molecular consequence: synonymous variant.
Genome position (GRCh38, 1-based): chr22:24,185,548, C>T. VCF-style: chr22-24185548-C-T. GRCh37 (hg19) VCF-style: chr22-24581516-C-T.
Identifiers: ClinVar variation 788752 (VCV000788752.28), dbSNP rs376136602, ClinGen allele CA10150546.
Genomic context (GRCh38, chr22:24,185,548, plus strand): 5'-GGACTACGGCTGTGACATGGAGCAGGGCAGCGTGTGCACCTACCACCCCGGGGCCGTGCA[C>T]TGTGTGCGTTCTGTGCAGGCCAGGTGAGCCCCCAGGCTGGGGCCGGTATGGGGATTGGGG-3'
Protein context (NP_062547.1, residues 339-359): SVCTYHPGAV[His349=]CVRSVQASLR

ClinVar aggregate classification (germline): Benign/Likely benign. Review status: criteria provided, multiple submitters, no conflicts (2 of 4 stars). 3 submissions from 3 submitters: Benign (2); Likely benign (1). Last evaluated 2022-10-01.

Allele frequency attached by ClinVar (database versions not stated): ESP Exome Variant Server 0.00046; gnomAD exomes 0.00049 and 0.00103; gnomAD 0.00081 and 0.00084; TOPMed 0.00083; ExAC 0.00148.

Submissions (3):

CeGaT Center for Human Genetics Tuebingen
Classification: Likely benign. Last evaluated: 2022-10-01. Review status: criteria provided, single submitter. Criteria: CeGaT Center For Human Genetics Tuebingen Variant Classification Criteria Version 2. Collection method: clinical testing. Allele origin: germline. Affected: yes. Observed: 1 variant allele.
Comment: SUSD2: BP4, BP7

Labcorp Genetics (formerly Invitae), Labcorp
Classification: Benign. Last evaluated: 2018-05-10. Review status: criteria provided, single submitter. Criteria: Invitae Variant Classification Sherloc (09022015). Collection method: clinical testing. Allele origin: germline.

Breakthrough Genomics
Classification: Benign. Review status: criteria provided, single submitter. Criteria: ACMG Guidelines, 2015. Collection method: not provided. Allele origin: germline. Inheritance: Unknown mechanism. Affected: yes.